The following is an entry in ClinVar:

NM_001277115.2(DNAH11):c.11725G>T (p.Val3909Leu)

Gene: DNAH11 (dynein axonemal heavy chain 11; plus strand). Cytogenetic location: 7p15.3.
Variant type: single nucleotide variant.
Coding change: c.11725G>T on transcript NM_001277115.2 (MANE Select); coding-DNA position 11725, G replaced by T.
Protein change: p.Val3909Leu; replaces valine 3909 with leucine.
Molecular consequence: missense variant.
Genome position (GRCh38, 1-based): chr7:21,867,893, G>T. VCF-style: chr7-21867893-G-T. GRCh37 (hg19) VCF-style: chr7-21907511-G-T.
Other names: short protein forms V3909L.
Identifiers: ClinVar variation 1358720 (VCV001358720.8), dbSNP rs886062185, ClinGen allele CA366962332.

ClinVar aggregate classification (germline): Uncertain significance (1 of 4 stars; one submission).

Conditions:
Primary ciliary dyskinesia. Also called: Ciliary dyskinesia. Identifiers: Orphanet 244, MedGen C0008780, MONDO:0016575, HP:0012265.

Allele frequency attached by ClinVar (database versions not stated): gnomAD exomes below 0.00001.
gnomAD v4.1: 2 of 1,580,382 alleles (0.00013%); highest among the groups gnomAD compares: South Asian, 0.0012%; no homozygotes.

Submission:

Labcorp Genetics (formerly Invitae), Labcorp
Classification: Uncertain significance for Primary ciliary dyskinesia. Last evaluated: 2021-06-01. Review status: criteria provided, single submitter. Criteria: Invitae Variant Classification Sherloc (09022015). Collection method: clinical testing. Allele origin: germline.
Comment: This variant has not been reported in the literature in individuals with DNAH11-related conditions. This variant is not present in population databases (ExAC no frequency). This sequence change replaces valine with leucine at codon 3909 of the DNAH11 protein (p.Val3909Leu). The valine residue is highly conserved and there is a small physicochemical difference between valine and leucine. Advanced modeling of protein sequence and biophysical properties (such as structural, functional, and spatial information, amino acid conservation, physicochemical variation, residue mobility, and thermodynamic stability) performed at Invitae indicates that this missense variant is not expected to disrupt DNAH11 protein function. In summary, the available evidence is currently insufficient to determine the role of this variant in disease. Therefore, it has been classified as a Variant of Uncertain Significance.